The following is an entry in ClinVar:

ClinVar aggregate classification (germline): Uncertain significance (1 of 4 stars; one submission).

Conditions:
Inborn genetic diseases. Identifiers: MedGen C0950123, MeSH D030342.

Submission:

Ambry Genetics
Classification: Uncertain significance for Inborn genetic diseases. Last evaluated: 2024-12-08. Review status: criteria provided, single submitter. Criteria: Ambry Variant Classification Scheme 2023. Collection method: clinical testing. Allele origin: germline.
Comment: The p.G86R variant (also known as c.256G>C), located in coding exon 1 of the KDM1A gene, results from a G to C substitution at nucleotide position 256. The glycine at codon 86 is replaced by arginine, an amino acid with dissimilar properties. This amino acid position is conserved. In addition, this alteration is predicted to be tolerated by in silico analysis. Based on the available evidence, the clinical significance of this variant remains unclear.

NM_001009999.3(KDM1A):c.256G>C (p.Gly86Arg)

Gene: KDM1A (lysine demethylase 1A; plus strand). Cytogenetic location: 1p36.12.
Variant type: single nucleotide variant.
Coding change: c.256G>C on transcript NM_001009999.3 (MANE Select); coding-DNA position 256, G replaced by C.
Protein change: p.Gly86Arg; replaces glycine 86 with arginine.
Molecular consequence: missense variant.
Genome position (GRCh38, 1-based): chr1:23,019,852, G>C. VCF-style: chr1-23019852-G-C. GRCh37 (hg19) VCF-style: chr1-23346345-G-C.
Other names: c.256G>C, p.Gly86Arg (NM_001363654.2, NM_001410762.1, NM_001410763.1 and 1 more transcripts); short protein forms G86R.
Identifiers: ClinVar variation 3532985 (VCV003532985.1).
Genomic context (GRCh38, chr1:23,019,852, plus strand): 5'-CCGCGGGCCTCGCCCCCCGGGGGCCTGGCGGAACCGCCGGGGTCCGCAGGGCCTCAGGCC[G>C]GCCCTACTGTCGTGCCTGGGTCTGCGACCCCCATGGAAACTGGAATAGCAGAGACTCCGG-3'
Protein context (NP_001009999.1, residues 76-96): EPPGSAGPQA[Gly86Arg]PTVVPGSATP